The following is an entry in ClinVar:

ClinVar aggregate classification (germline): Uncertain significance. Review status: criteria provided, multiple submitters, no conflicts (2 of 4 stars). 2 submissions from 2 submitters: Uncertain significance (2). Last evaluated 2023-12-13.

Conditions:
Arrhythmogenic cardiomyopathy with wooly hair and keratoderma. Also called: Arrhythmogenic cardiomyopathy with woolly hair and keratoderma; Dilated cardiomyopathy with woolly hair and keratoderma; PALMOPLANTAR KERATODERMA WITH LEFT VENTRICULAR CARDIOMYOPATHY AND WOOLLY HAIR; Carvajal syndrome. Identifiers: Orphanet 65282, MedGen C1854063, MONDO:0011581, OMIM 605676.
Arrhythmogenic right ventricular dysplasia 8 (ARVD8). Also called: Arrhythmogenic Right Ventricular Dysplasia/Cardiomyopathy 8; ARRHYTHMOGENIC RIGHT VENTRICULAR DYSPLASIA, FAMILIAL, 8; ARRHYTHMOGENIC RIGHT VENTRICULAR CARDIOMYOPATHY 8. Identifiers: MedGen C1843896, MONDO:0011831, OMIM 607450.

Submissions (2):

All of Us Research Program, National Institutes of Health
Classification: Uncertain significance for Arrhythmogenic cardiomyopathy with wooly hair and keratoderma. Last evaluated: 2023-12-13. Review status: criteria provided, single submitter. Criteria: ACMG Guidelines, 2015. Collection method: clinical testing. Allele origin: germline. Inheritance: Autosomal dominant inheritance. Observed: 2 variant alleles, 2 heterozygotes.
Comment: This missense variant replaces asparagine with isoleucine at codon 302 of the DSP protein. Computational prediction suggests that this variant may have deleterious impact on protein structure and function (internally defined REVEL score threshold >= 0.7, PMID: 27666373). To our knowledge, functional studies have not been reported for this variant. This variant has not been reported in individuals affected with DSP-related disorders in the literature. This variant has not been identified in the general population by the Genome Aggregation Database (gnomAD). The available evidence is insufficient to determine the role of this variant in disease conclusively. Therefore, this variant is classified as a Variant of Uncertain Significance.

This study involves interpretation of variants in research participants for the purpose of population health screening. Participant phenotype was not available at the time of variant classification. Additional details can be found in publication PMID: 35346344, PMCID: PMC8962531

Labcorp Genetics (formerly Invitae), Labcorp
Classification: Uncertain significance for Arrhythmogenic cardiomyopathy with wooly hair and keratoderma; Arrhythmogenic right ventricular dysplasia 8. Last evaluated: 2023-11-27. Review status: criteria provided, single submitter. Criteria: Invitae Variant Classification Sherloc (09022015). Collection method: clinical testing. Allele origin: germline.
Comment: This sequence change replaces asparagine, which is neutral and polar, with isoleucine, which is neutral and non-polar, at codon 302 of the DSP protein (p.Asn302Ile). This variant is not present in population databases (gnomAD no frequency). This variant has not been reported in the literature in individuals affected with DSP-related conditions. An algorithm developed to predict the effect of missense changes on protein structure and function (PolyPhen-2) suggests that this variant is likely to be disruptive. In summary, the available evidence is currently insufficient to determine the role of this variant in disease. Therefore, it has been classified as a Variant of Uncertain Significance.

NM_004415.4(DSP):c.905A>T (p.Asn302Ile)

Gene: DSP (desmoplakin; plus strand). Cytogenetic location: 6p24.3.
Variant type: single nucleotide variant.
Coding change: c.905A>T on transcript NM_004415.4 (MANE Select); coding-DNA position 905, A replaced by T.
Protein change: p.Asn302Ile; replaces asparagine 302 with isoleucine.
Molecular consequence: missense variant.
Genome position (GRCh38, 1-based): chr6:7,565,486, A>T. VCF-style: chr6-7565486-A-T. GRCh37 (hg19) VCF-style: chr6-7565719-A-T.
Other names: c.905A>T, p.Asn302Ile (NM_001008844.3, NM_001319034.2, NM_001406591.1); short protein forms N302I.
Identifiers: ClinVar variation 2929989 (VCV002929989.4), dbSNP rs2533872778, ClinGen allele CA362674599.